The following is an entry in ClinVar:

NM_000719.7(CACNA1C):c.1000C>T (p.Pro334Ser)

Gene: CACNA1C (calcium voltage-gated channel subunit alpha1 C; plus strand). Cytogenetic location: 12p13.33.
Variant type: single nucleotide variant.
Coding change: c.1000C>T on transcript NM_000719.7 (MANE Select); coding-DNA position 1000, C replaced by T.
Protein change: p.Pro334Ser; replaces proline 334 with serine.
Molecular consequence: missense variant.
Genome position (GRCh38, 1-based): chr12:2,493,273, C>T. VCF-style: chr12-2493273-C-T. GRCh37 (hg19) VCF-style: chr12-2602439-C-T.
Other names: c.1000C>T, p.Pro334Ser (NM_001129827.2, NM_001129829.2, NM_001129830.3 and 18 more transcripts); c.991C>T, p.Pro331Ser (NM_001129844.2); short protein forms P331S, P334S.
Identifiers: ClinVar variation 2920345 (VCV002920345.3), dbSNP rs2504149096, ClinGen allele CA383369798.

ClinVar aggregate classification (germline): Uncertain significance (1 of 4 stars; one submission).

Conditions:
Long QT syndrome (LQTS). Identifiers: MedGen C0023976, MeSH D008133, MONDO:0002442. Disease mechanism: loss of function. Inheritance: Various modes of inheritance.

Allele frequency attached by ClinVar (database versions not stated): gnomAD exomes below 0.00001.

Submission:

Labcorp Genetics (formerly Invitae), Labcorp
Classification: Uncertain significance for Long QT syndrome. Last evaluated: 2023-05-08. Review status: criteria provided, single submitter. Criteria: Invitae Variant Classification Sherloc (09022015). Collection method: clinical testing. Allele origin: germline.
Comment: In summary, the available evidence is currently insufficient to determine the role of this variant in disease. Therefore, it has been classified as a Variant of Uncertain Significance. Advanced modeling of protein sequence and biophysical properties (such as structural, functional, and spatial information, amino acid conservation, physicochemical variation, residue mobility, and thermodynamic stability) performed at Invitae indicates that this missense variant is not expected to disrupt CACNA1C protein function. This variant has not been reported in the literature in individuals affected with CACNA1C-related conditions. This variant is not present in population databases (gnomAD no frequency). This sequence change replaces proline, which is neutral and non-polar, with serine, which is neutral and polar, at codon 334 of the CACNA1C protein (p.Pro334Ser).